The following is an entry in ClinVar:

ClinVar aggregate classification (germline): Uncertain significance. Review status: criteria provided, multiple submitters, no conflicts (2 of 4 stars). 2 submissions from 2 submitters: Uncertain significance (2). Last evaluated 2025-12-03.

Submissions (2):

GeneDx
Classification: Uncertain significance. Last evaluated: 2025-12-03. Review status: criteria provided, single submitter. Criteria: GeneDx Variant Classification Process June 2021. Collection method: clinical testing. Allele origin: germline.
Comment: Has not been previously published as pathogenic or benign to our knowledge; Not observed at significant frequency in large population cohorts (gnomAD); In silico analysis supports that this missense variant has a deleterious effect on protein structure/function

Labcorp Genetics (formerly Invitae), Labcorp
Classification: Uncertain significance. Last evaluated: 2023-12-18. Review status: criteria provided, single submitter. Criteria: Invitae Variant Classification Sherloc (09022015). Collection method: clinical testing. Allele origin: germline.
Comment: This sequence change replaces glutamic acid, which is acidic and polar, with glycine, which is neutral and non-polar, at codon 442 of the SCN3A protein (p.Glu442Gly). This variant is not present in population databases (gnomAD no frequency). This variant has not been reported in the literature in individuals affected with SCN3A-related conditions. Advanced modeling of protein sequence and biophysical properties (such as structural, functional, and spatial information, amino acid conservation, physicochemical variation, residue mobility, and thermodynamic stability) has been performed at Invitae for this missense variant, however the output from this modeling did not meet the statistical confidence thresholds required to predict the impact of this variant on SCN3A protein function. In summary, the available evidence is currently insufficient to determine the role of this variant in disease. Therefore, it has been classified as a Variant of Uncertain Significance.

NM_006922.4(SCN3A):c.1325A>G (p.Glu442Gly)

Gene: SCN3A (sodium voltage-gated channel alpha subunit 3; minus strand). Cytogenetic location: 2q24.3.
Variant type: single nucleotide variant.
Coding change: c.1325A>G on transcript NM_006922.4 (MANE Select); coding-DNA position 1325, A replaced by G.
Protein change: p.Glu442Gly; replaces glutamic acid 442 with glycine.
Molecular consequence: missense variant.
Genome position (GRCh38, 1-based): chr2:165,154,507, T>C on the plus strand (A>G on the coding strand, the complement: SCN3A is on the minus strand). VCF-style: chr2-165154507-T-C. GRCh37 (hg19) VCF-style: chr2-166011017-T-C.
Other names: c.1325A>G, p.Glu442Gly (NM_001081676.2, NM_001081677.2); c.1325A>G (NM_006922.3); short protein forms E442G.
Identifiers: ClinVar variation 2703920 (VCV002703920.5), dbSNP rs2468414540, ClinGen allele CA349237991.